The following is an entry in ClinVar:

NM_001375567.1(FOCAD):c.325C>A (p.Leu109Ile)

Gene: FOCAD (focadhesin; plus strand). Cytogenetic location: 9p21.3.
Variant type: single nucleotide variant.
Coding change: c.325C>A on transcript NM_001375567.1 (MANE Select); coding-DNA position 325, C replaced by A.
Protein change: p.Leu109Ile; replaces leucine 109 with isoleucine.
Molecular consequence: missense variant. On other transcripts: intron variant (1).
Genome position (GRCh38, 1-based): chr9:20,740,273, C>A. VCF-style: chr9-20740273-C-A. GRCh37 (hg19) VCF-style: chr9-20740272-C-A.
Other names: c.325C>A, p.Leu109Ile (NM_001375568.1, NM_017794.5); c.288-17817C>A (NM_001375570.1); short protein forms L109I.
Identifiers: ClinVar variation 2629110 (VCV002629110.6), dbSNP rs142542466, ClinGen allele CA5006307.
Genomic context (GRCh38, chr9:20,740,273, plus strand): 5'-TAACATGCTATATTTCTTTGCAGAAATACACATGGCTTGATAAAAGCCATTATGCACTTA[C>A]TACAAATGCAAGCTCTTAAGGAAGGACAAGGTGGGGAAAAGAATATTCAGAGTATATATA-3'
Protein context (NP_001362496.1, residues 99-119): HGLIKAIMHL[Leu109Ile]QMQALKEGQG

ClinVar aggregate classification (germline): Uncertain significance. Review status: criteria provided, multiple submitters, no conflicts (2 of 4 stars). 2 submissions from 2 submitters: Uncertain significance (2). Last evaluated 2025-12-08.

Conditions:
FOCAD-related disorder. Also called: FOCAD-related condition.

Allele frequency attached by ClinVar (database versions not stated): 1000 Genomes Project 30x 0.00016; 1000 Genomes Project 0.00020; ExAC 0.00032; gnomAD 0.00053; TOPMed 0.00060; ESP Exome Variant Server 0.00069.
gnomAD v4.1: 1,718 of 1,611,708 alleles (0.11%); highest among the groups gnomAD compares: Non-Finnish European, 0.14%; 3 homozygotes.

Submissions (2):

Labcorp Genetics (formerly Invitae), Labcorp
Classification: Uncertain significance. Last evaluated: 2025-12-08. Review status: criteria provided, single submitter. Criteria: Invitae Variant Classification Sherloc (09022015). Collection method: clinical testing. Allele origin: germline.
Comment: This sequence change replaces leucine, which is neutral and non-polar, with isoleucine, which is neutral and non-polar, at codon 109 of the FOCAD protein (p.Leu109Ile). This variant is present in population databases (rs142542466, gnomAD 0.08%), and has an allele count higher than expected for a pathogenic variant. This variant has not been reported in the literature in individuals affected with FOCAD-related conditions. ClinVar contains an entry for this variant (Variation ID: 2629110). An algorithm developed to predict the effect of missense changes on protein structure and function outputs the following: PolyPhen-2: "Not Available". The isoleucine amino acid residue is found in multiple mammalian species, which suggests that this missense change does not adversely affect protein function. In summary, the available evidence is currently insufficient to determine the role of this variant in disease. Therefore, it has been classified as a Variant of Uncertain Significance.

PreventionGenetics, part of Exact Sciences
Classification: Uncertain significance for FOCAD-related condition. Last evaluated: 2025-07-29. Review status: criteria provided, single submitter. Criteria: ACMG Guidelines, 2015. Collection method: clinical testing. Allele origin: germline.
Comment: The FOCAD c.325C>A variant is predicted to result in the amino acid substitution p.Leu109Ile. To our knowledge, this variant has not been reported in the literature. This variant is reported in 0.078% of alleles in individuals of European (Non-Finnish) descent in gnomAD. This variant is classified as a variant of uncertain significance in ClinVar (Variation ID: 2629110). At this time, the clinical significance of this variant is uncertain due to the absence of conclusive functional and genetic evidence.